The following is an entry in ClinVar:

NM_000161.3(GCH1):c.575C>T (p.Ala192Val)

Gene: GCH1 (GTP cyclohydrolase 1; minus strand). Cytogenetic location: 14q22.2.
Variant type: single nucleotide variant.
Coding change: c.575C>T on transcript NM_000161.3 (MANE Select); coding-DNA position 575, C replaced by T.
Protein change: p.Ala192Val; replaces alanine 192 with valine.
Molecular consequence: missense variant. On other transcripts: intron variant (1).
Genome position (GRCh38, 1-based): chr14:54,845,819, G>A on the plus strand (C>T on the coding strand, the complement: GCH1 is on the minus strand). VCF-style: chr14-54845819-G-A. GRCh37 (hg19) VCF-style: chr14-55312537-G-A.
Other names: c.575C>T, p.Ala192Val (NM_001024024.2, NM_001024070.2, NM_001024071.2); c.281C>T, p.Ala94Val (NM_001424105.1); c.510-2765C>T (NM_001424104.1); short protein forms A94V, A192V.
Identifiers: ClinVar variation 2924823 (VCV002924823.3), dbSNP rs2504343337, ClinGen allele CA389787353.

ClinVar aggregate classification (germline): Uncertain significance (1 of 4 stars; one submission).

Conditions:
Dystonia 5 (DRD). Also called: DYSTONIA, PROGRESSIVE, WITH DIURNAL VARIATION; DYSTONIA-PARKINSONISM WITH DIURNAL FLUCTUATION; GTP Cyclohydrolase 1-Deficient Dopa-Responsive Dystonia; Dystonia, DOPA-responsive, with or without hyperphenylalaninemia; DYT-GCH1. Identifiers: Orphanet 98808, MedGen C1851920, MONDO:0007495, OMIM 128230.
GTP cyclohydrolase I deficiency. Identifiers: MedGen C0268467, MONDO:0100184.

Submission:

Labcorp Genetics (formerly Invitae), Labcorp
Classification: Uncertain significance for GTP cyclohydrolase I deficiency; Dystonia 5. Last evaluated: 2022-12-14. Review status: criteria provided, single submitter. Criteria: Invitae Variant Classification Sherloc (09022015). Collection method: clinical testing. Allele origin: germline.
Comment: This sequence change replaces alanine, which is neutral and non-polar, with valine, which is neutral and non-polar, at codon 192 of the GCH1 protein (p.Ala192Val). This variant is not present in population databases (gnomAD no frequency). This variant has not been reported in the literature in individuals affected with GCH1-related conditions. Advanced modeling of protein sequence and biophysical properties (such as structural, functional, and spatial information, amino acid conservation, physicochemical variation, residue mobility, and thermodynamic stability) performed at Invitae indicates that this missense variant is not expected to disrupt GCH1 protein function. In summary, the available evidence is currently insufficient to determine the role of this variant in disease. Therefore, it has been classified as a Variant of Uncertain Significance.